The following is an entry in ClinVar:

ClinVar aggregate classification (germline): Uncertain significance (1 of 4 stars; one submission).

Submission:

Ambry Genetics
Classification: Uncertain significance. Last evaluated: 2026-06-16. Review status: criteria provided, single submitter. Criteria: Ambry Variant Classification Scheme 2023. Collection method: clinical testing. Allele origin: germline.
Comment: The p.R83I variant (also known as c.248G>T), located in coding exon 1 of the TET2 gene, results from a G to T substitution at nucleotide position 248. The arginine at codon 83 is replaced by isoleucine, an amino acid with similar properties. This amino acid position is conserved. In addition, this alteration is predicted to be tolerated by in silico analysis. Based on the available evidence, the clinical significance of this variant remains unclear.

NM_001127208.3(TET2):c.248G>T (p.Arg83Ile)

Genes: TET2 (tet methylcytosine dioxygenase 2; plus strand), TET2-AS1 (TET2 antisense RNA 1; minus strand). Cytogenetic location: 4q24.
Variant type: single nucleotide variant.
Coding change: c.248G>T on transcript NM_001127208.3 (MANE Select); coding-DNA position 248, G replaced by T.
Protein change: p.Arg83Ile; replaces arginine 83 with isoleucine.
Molecular consequence: missense variant.
Genome position (GRCh38, 1-based): chr4:105,234,190, G>T. VCF-style: chr4-105234190-G-T. GRCh37 (hg19) VCF-style: chr4-106155347-G-T.
Other names: c.248G>T, p.Arg83Ile (NM_017628.4); short protein forms R83I.
Identifiers: ClinVar variation 5030678 (VCV005030678.1).